The following is an entry in ClinVar:

NM_006230.4(POLD2):c.20C>T (p.Ala7Val)

Gene: POLD2 (DNA polymerase delta 2, accessory subunit; minus strand). Cytogenetic location: 7p13.
Variant type: single nucleotide variant.
Coding change: c.20C>T on transcript NM_006230.4 (MANE Select); coding-DNA position 20, C replaced by T.
Protein change: p.Ala7Val; replaces alanine 7 with valine.
Molecular consequence: missense variant.
Genome position (GRCh38, 1-based): chr7:44,122,034, G>A on the plus strand (C>T on the coding strand, the complement: POLD2 is on the minus strand). VCF-style: chr7-44122034-G-A. GRCh37 (hg19) VCF-style: chr7-44161633-G-A.
Other names: c.20C>T, p.Ala7Val (NM_001127218.3, NM_001256879.2); short protein forms A7V.
Identifiers: ClinVar variation 2783777 (VCV002783777.3), dbSNP rs1212003992, ClinGen allele CA367388012.

ClinVar aggregate classification (germline): Uncertain significance (1 of 4 stars; one submission).

Allele frequency attached by ClinVar (database versions not stated): gnomAD exomes below 0.00001; gnomAD 0.00001; TOPMed 0.00001.
gnomAD v4.1: 5 of 1,613,014 alleles (0.00031%); highest among the groups gnomAD compares: African/African-American, 0.0013%; no homozygotes.

Submission:

Labcorp Genetics (formerly Invitae), Labcorp
Classification: Uncertain significance. Last evaluated: 2023-10-16. Review status: criteria provided, single submitter. Criteria: Invitae Variant Classification Sherloc (09022015). Collection method: clinical testing. Allele origin: germline.
Comment: This sequence change replaces alanine, which is neutral and non-polar, with valine, which is neutral and non-polar, at codon 42 of the POLD2 protein (p.Ala42Val). This variant is not present in population databases (gnomAD no frequency). This variant has not been reported in the literature in individuals affected with POLD2-related conditions. Experimental studies and prediction algorithms are not available or were not evaluated, and the functional significance of this variant is currently unknown. In summary, the available evidence is currently insufficient to determine the role of this variant in disease. Therefore, it has been classified as a Variant of Uncertain Significance.